The following is an entry in ClinVar:

ClinVar aggregate classification (germline): Benign. Review status: criteria provided, multiple submitters, no conflicts (2 of 4 stars). 3 submissions from 3 submitters: Benign (2). 1 of the submissions does not count toward it. Last evaluated 2018-06-26.

Allele frequency attached by ClinVar (database versions not stated): ESP Exome Variant Server 0.08211; gnomAD exomes 0.08961 and 0.05988; ExAC 0.11598; gnomAD 0.05936 and 0.06074.
gnomAD v4.1: 39,011 of 1,303,780 alleles (3%); highest among the groups gnomAD compares: East Asian, 17%; 538 homozygotes.

Submissions (3):

GeneDx
Classification: Benign. Last evaluated: 2018-06-26. Review status: criteria provided, single submitter. Criteria: GeneDx Variant Classification Process June 2021. Collection method: clinical testing. Allele origin: germline. Affected: yes.

Breakthrough Genomics
Classification: Benign. Review status: criteria provided, single submitter. Criteria: ACMG Guidelines, 2015. Collection method: not provided. Allele origin: germline. Inheritance: Autosomal recessive inheritance. Affected: yes.

Genetic Services Laboratory, University of Chicago
Classification: Likely benign. Review status: no assertion criteria provided. Collection method: clinical testing. Allele origin: germline. Inheritance: Autosomal recessive inheritance. Not counted in ClinVar's aggregate classification.
Comment: Likely benign based on allele frequency in 1000 Genomes Project or ESP global frequency and its presence in a patient with a rare or unrelated disease phenotype. NOT Sanger confirmed

NM_006031.6(PCNT):c.6150+49C>T

Gene: PCNT (pericentrin; plus strand). Cytogenetic location: 21q22.3.
Variant type: single nucleotide variant.
Coding change: c.6150+49C>T on transcript NM_006031.6 (MANE Select); 49 bases into the intron after coding-DNA position 6150, C replaced by T.
Molecular consequence: intron variant.
Genome position (GRCh38, 1-based): chr21:46,413,041, C>T. VCF-style: chr21-46413041-C-T. GRCh37 (hg19) VCF-style: chr21-47832955-C-T.
Other names: c.5796+49C>T (NM_001315529.2).
Identifiers: ClinVar variation 159631 (VCV000159631.9), dbSNP rs112334245, ClinGen allele CA173040.
Genomic context (GRCh38, chr21:46,413,041, plus strand): 5'-GACGGCGGCAAGGTGTGGGGAGGGGGGAAGGCGCGAGGTCCCCCCGGGAGAGGCTGGACA[C>T]GCGGCAGCAAGGTGTGGGGAGCGGGGAAGGCACGAGGCCCACCCGGGAGAGGCTGGACAC-3'